The following is an entry in ClinVar:

ClinVar aggregate classification (germline): Uncertain significance (1 of 4 stars; one submission).

Conditions:
Cardiovascular phenotype. Identifiers: MedGen CN230736.

Submission:

Ambry Genetics
Classification: Uncertain significance for Cardiovascular phenotype. Last evaluated: 2025-01-05. Review status: criteria provided, single submitter. Criteria: Ambry Variant Classification Scheme 2023. Collection method: clinical testing. Allele origin: germline.
Comment: The p.A310D variant (also known as c.929C>A), located in coding exon 6 of the CBL gene, results from a C to A substitution at nucleotide position 929. The alanine at codon 310 is replaced by aspartic acid, an amino acid with dissimilar properties. This amino acid position is conserved. In addition, this alteration is predicted to be deleterious by in silico analysis. Based on the available evidence, the clinical significance of this variant remains unclear.

NM_005188.4(CBL):c.929C>A (p.Ala310Asp)

Gene: CBL (Cbl proto-oncogene; plus strand). Cytogenetic location: 11q23.3.
Variant type: single nucleotide variant.
Coding change: c.929C>A on transcript NM_005188.4 (MANE Select); coding-DNA position 929, C replaced by A.
Protein change: p.Ala310Asp; replaces alanine 310 with aspartic acid.
Molecular consequence: missense variant.
Genome position (GRCh38, 1-based): chr11:119,276,056, C>A. VCF-style: chr11-119276056-C-A. GRCh37 (hg19) VCF-style: chr11-119146766-C-A.
Other names: short protein forms A310D.
Identifiers: ClinVar variation 3827800 (VCV003827800.1).
Genomic context (GRCh38, chr11:119,276,056, plus strand): 5'-GTTATATCTTCCGGCTGAGCTGTACTCGTCTGGGTCAGTGGGCTATTGGGTATGTTACTG[C>A]TGATGGGAACATTCTCCAGACAATCCCTCACAATAAACCTCTCTTCCAAGCACTGATTGA-3'
Protein context (NP_005179.2, residues 300-320): LGQWAIGYVT[Ala310Asp]DGNILQTIPH